The following is an entry in ClinVar:

ClinVar aggregate classification (germline): Uncertain significance (0 of 4 stars; one submission).

Conditions:
TFR2-related disorder. Also called: TFR2-related condition.

gnomAD v4.1: 45 of 1,607,038 alleles (0.0028%); highest among the groups gnomAD compares: Middle Eastern, 0.017%; no homozygotes.

Submission:

PreventionGenetics, part of Exact Sciences
Classification: Uncertain significance for TFR2-related condition. Last evaluated: 2024-05-01. Review status: no assertion criteria provided. Collection method: clinical testing. Allele origin: germline.
Comment: The TFR2 c.263C>T variant is predicted to result in the amino acid substitution p.Thr88Met. To our knowledge, this variant has not been reported in the literature. This variant is reported in 0.022% of alleles in individuals of East Asian descent in gnomAD. At this time, the clinical significance of this variant is uncertain due to the absence of conclusive functional and genetic evidence.

NM_003227.4(TFR2):c.263C>T (p.Thr88Met)

Gene: TFR2 (transferrin receptor 2; minus strand). Cytogenetic location: 7q22.1.
Variant type: single nucleotide variant.
Coding change: c.263C>T on transcript NM_003227.4 (MANE Select); coding-DNA position 263, C replaced by T.
Protein change: p.Thr88Met; replaces threonine 88 with methionine.
Molecular consequence: missense variant.
Genome position (GRCh38, 1-based): chr7:100,640,999, G>A on the plus strand (C>T on the coding strand, the complement: TFR2 is on the minus strand). VCF-style: chr7-100640999-G-A. GRCh37 (hg19) VCF-style: chr7-100238622-G-A.
Other names: short protein forms T88M.
Identifiers: ClinVar variation 3351466 (VCV003351466.1).
Genomic context (GRCh38, chr7:100,640,999, plus strand): 5'-CAAGCCCTTCACTTCTGGGGAGGGGGACGGCTCTCACCCCCAGTGAAGATCAGCAGGGCC[G>A]TCAGGACCAGGTAGGGGGCAGCCCTCCGTCCTGCTGCCGCCCAGGGAATGAGGTTTGGCT-3'
Protein context (NP_003218.2, residues 78-98): GRRAAPYLVL[Thr88Met]ALLIFTGAFL